The following is an entry in ClinVar:

ClinVar aggregate classification (germline): Uncertain significance (1 of 4 stars; one submission).

Conditions:
Progressive sclerosing poliodystrophy (MTDPS4A). Also called: Mitochondrial DNA depletion syndrome 4A (Alpers type); ALPERS PROGRESSIVE INFANTILE POLIODYSTROPHY; NEURONAL DEGENERATION OF CHILDHOOD WITH LIVER DISEASE, PROGRESSIVE; Mitochondrial DNA Depletion Syndrome 4A; Alpers-Huttenlocher Syndrome (AHS); Alpers Syndrome. Identifiers: Orphanet 726, MedGen C0205710, MONDO:0008758, OMIM 203700.

Allele frequency attached by ClinVar (database versions not stated): gnomAD exomes below 0.00001; TOPMed 0.00001.
gnomAD v4.1: 5 of 1,613,906 alleles (0.00031%); highest among the groups gnomAD compares: East Asian, 0.0045%; no homozygotes.

Submission:

Labcorp Genetics (formerly Invitae), Labcorp
Classification: Uncertain significance for Progressive sclerosing poliodystrophy. Last evaluated: 2024-03-27. Review status: criteria provided, single submitter. Criteria: Invitae Variant Classification Sherloc (09022015). Collection method: clinical testing. Allele origin: germline.
Comment: This sequence change replaces methionine, which is neutral and non-polar, with valine, which is neutral and non-polar, at codon 427 of the POLG protein (p.Met427Val). This variant is not present in population databases (gnomAD no frequency). This variant has not been reported in the literature in individuals affected with POLG-related conditions. ClinVar contains an entry for this variant (Variation ID: 1395168). Advanced modeling of protein sequence and biophysical properties (such as structural, functional, and spatial information, amino acid conservation, physicochemical variation, residue mobility, and thermodynamic stability) performed at Invitae indicates that this missense variant is expected to disrupt POLG protein function with a positive predictive value of 80%. In summary, the available evidence is currently insufficient to determine the role of this variant in disease. Therefore, it has been classified as a Variant of Uncertain Significance.

NM_002693.3(POLG):c.1279A>G (p.Met427Val)

Gene: POLG (DNA polymerase gamma, catalytic subunit; minus strand). Cytogenetic location: 15q26.1.
Variant type: single nucleotide variant.
Coding change: c.1279A>G on transcript NM_002693.3 (MANE Select); coding-DNA position 1279, A replaced by G.
Protein change: p.Met427Val; replaces methionine 427 with valine.
Molecular consequence: missense variant.
Genome position (GRCh38, 1-based): chr15:89,327,321, T>C on the plus strand (A>G on the coding strand, the complement: POLG is on the minus strand). VCF-style: chr15-89327321-T-C. GRCh37 (hg19) VCF-style: chr15-89870552-T-C.
Other names: c.1279A>G, p.Met427Val (NM_001126131.2); short protein forms M427V.
Identifiers: ClinVar variation 1395168 (VCV001395168.6), dbSNP rs996158882, ClinGen allele CA274556728.